The following is an entry in ClinVar:

NM_003482.4(KMT2D):c.3403C>T (p.Pro1135Ser)

Gene: KMT2D (lysine methyltransferase 2D; minus strand). Cytogenetic location: 12q13.12.
Variant type: single nucleotide variant.
Coding change: c.3403C>T on transcript NM_003482.4 (MANE Select); coding-DNA position 3403, C replaced by T.
Protein change: p.Pro1135Ser; replaces proline 1135 with serine.
Molecular consequence: missense variant.
Genome position (GRCh38, 1-based): chr12:49,050,185, G>A on the plus strand (C>T on the coding strand, the complement: KMT2D is on the minus strand). VCF-style: chr12-49050185-G-A. GRCh37 (hg19) VCF-style: chr12-49443968-G-A.
Other names: short protein forms P1135S.
Identifiers: ClinVar variation 1486177 (VCV001486177.6), dbSNP rs2120646795, ClinGen allele CA384656896.

ClinVar aggregate classification (germline): Uncertain significance (1 of 4 stars; one submission).

Conditions:
Kabuki syndrome. Also called: Kabuki make-up syndrome; NIIKAWA-KUROKI SYNDROME. Identifiers: Orphanet 2322, MedGen C0796004, MONDO:0016512.

Submission:

Labcorp Genetics (formerly Invitae), Labcorp
Classification: Uncertain significance for Kabuki syndrome. Last evaluated: 2021-11-12. Review status: criteria provided, single submitter. Criteria: Invitae Variant Classification Sherloc (09022015). Collection method: clinical testing. Allele origin: germline.
Comment: This sequence change replaces proline, which is neutral and non-polar, with serine, which is neutral and polar, at codon 1135 of the KMT2D protein (p.Pro1135Ser). This variant is not present in population databases (gnomAD no frequency). This variant has not been reported in the literature in individuals affected with KMT2D-related conditions. Advanced modeling of protein sequence and biophysical properties (such as structural, functional, and spatial information, amino acid conservation, physicochemical variation, residue mobility, and thermodynamic stability) performed at Invitae indicates that this missense variant is not expected to disrupt KMT2D protein function. In summary, the available evidence is currently insufficient to determine the role of this variant in disease. Therefore, it has been classified as a Variant of Uncertain Significance.